The following is an entry in ClinVar:

NM_001035.3(RYR2):c.6880G>C (p.Glu2294Gln)

Gene: RYR2 (ryanodine receptor 2; plus strand). Cytogenetic location: 1q43.
Variant type: single nucleotide variant.
Coding change: c.6880G>C on transcript NM_001035.3 (MANE Select); coding-DNA position 6880, G replaced by C.
Protein change: p.Glu2294Gln; replaces glutamic acid 2294 with glutamine.
Molecular consequence: missense variant.
Genome position (GRCh38, 1-based): chr1:237,638,444, G>C. VCF-style: chr1-237638444-G-C. GRCh37 (hg19) VCF-style: chr1-237801744-G-C.
Other names: short protein forms E2294Q.
Identifiers: ClinVar variation 1316805 (VCV001316805.5), dbSNP rs1238576332, ClinGen allele CA345395607.

ClinVar aggregate classification (germline): Uncertain significance. Review status: criteria provided, multiple submitters, no conflicts (2 of 4 stars). 3 submissions from 3 submitters: Uncertain significance (3). Last evaluated 2026-07-26.

Conditions:
Cardiovascular phenotype. Identifiers: MedGen CN230736.
Cardiomyopathy (CMYO). Also called: Cardiomyopathies. Identifiers: Orphanet 167848, MedGen C0878544, MONDO:0004994, HP:0001638. Inheritance: Various modes of inheritance.

Allele frequency attached by ClinVar (database versions not stated): TOPMed below 0.00001; gnomAD exomes below 0.00001.
gnomAD v4.1: 1 of 1,613,938 alleles (0.000062%); highest among the groups gnomAD compares: Admixed American, 0.0017%; no homozygotes.

Submissions (3):

Ambry Genetics
Classification: Uncertain significance for Cardiovascular phenotype. Last evaluated: 2026-07-26. Review status: criteria provided, single submitter. Criteria: Ambry Variant Classification Scheme 2023. Collection method: clinical testing. Allele origin: germline.
Comment: The p.E2294Q variant (also known as c.6880G>C), located in coding exon 45 of the RYR2 gene, results from a G to C substitution at nucleotide position 6880. The glutamic acid at codon 2294 is replaced by glutamine, an amino acid with highly similar properties. This amino acid position is conserved. In addition, this alteration is predicted to be deleterious by in silico analysis. Based on the available evidence, the clinical significance of this variant remains unclear.

Color Diagnostics, LLC DBA Color Health
Classification: Uncertain significance for Cardiomyopathy. Last evaluated: 2024-03-06. Review status: criteria provided, single submitter. Criteria: ACMG Guidelines, 2015. Collection method: clinical testing. Allele origin: germline.
Comment: This missense variant replaces glutamic acid with glutamine at codon 2294 of the RYR2 protein. Computational prediction suggests that this variant may have deleterious impact on protein structure and function (internally defined REVEL score threshold >= 0.7, PMID: 27666373). To our knowledge, functional studies have not been reported for this variant. This variant has not been reported in individuals affected with cardiovascular disorders in the literature. This variant has been identified in 1/249246 chromosomes in the general population by the Genome Aggregation Database (gnomAD). The available evidence is insufficient to determine the role of this variant in disease conclusively. Therefore, this variant is classified as a Variant of Uncertain Significance.

GeneDx
Classification: Uncertain significance. Last evaluated: 2019-03-20. Review status: criteria provided, single submitter. Criteria: GeneDx Variant Classification Process June 2021. Collection method: clinical testing. Allele origin: germline. Affected: yes.
Comment: Not observed at a significant frequency in large population cohorts (Lek et al., 2016); In silico analysis, which includes protein predictors and evolutionary conservation, supports that this variant does not alter protein structure/function; Has not been previously published as pathogenic or benign to our knowledge; Located in one of the three hot-spot regions of the RYR2 gene, where the majority of pathogenic missense variants occur (Medeiros-Domingo et al., 2009)